The following is an entry in ClinVar:

ClinVar aggregate classification (germline): Uncertain significance. Review status: criteria provided, multiple submitters, no conflicts (2 of 4 stars). 2 submissions from 2 submitters: Uncertain significance (2). Last evaluated 2024-01-08.

Conditions:
Classic or attenuated familial adenomatous polyposis. Identifiers: MedGen CN372698, MONDO:0021057.
Familial adenomatous polyposis 1 (FAP1). Also called: FAMILIAL ADENOMATOUS POLYPOSIS 1, ATTENUATED; POLYPOSIS, ADENOMATOUS INTESTINAL. Identifiers: MedGen C2713442, MONDO:0021056, OMIM 175100. Disease mechanism: loss of function.

Submissions (2):

All of Us Research Program, National Institutes of Health
Classification: Uncertain significance for Classic or attenuated familial adenomatous polyposis. Last evaluated: 2024-01-08. Review status: criteria provided, single submitter. Criteria: ACMG Guidelines, 2015. Collection method: clinical testing. Allele origin: germline. Inheritance: Autosomal dominant inheritance. Observed: 1 variant allele, 1 heterozygote.
Comment: This missense variant replaces asparagine with lysine at codon 248 of the APC protein. Computational prediction suggests that this variant may not impact protein structure and function (internally defined REVEL score threshold <= 0.5, PMID: 27666373). To our knowledge, functional studies have not been reported for this variant. This variant has not been reported in individuals affected with APC-related disorders in the literature. This variant has not been identified in the general population by the Genome Aggregation Database (gnomAD). The available evidence is insufficient to determine the role of this variant in disease conclusively. Therefore, this variant is classified as a Variant of Uncertain Significance.

This study involves interpretation of variants in research participants for the purpose of population health screening. Participant phenotype was not available at the time of variant classification. Additional details can be found in publication PMID: 35346344, PMCID: PMC8962531

Labcorp Genetics (formerly Invitae), Labcorp
Classification: Uncertain significance for Familial adenomatous polyposis 1. Last evaluated: 2023-07-21. Review status: criteria provided, single submitter. Criteria: Invitae Variant Classification Sherloc (09022015). Collection method: clinical testing. Allele origin: germline.
Comment: This sequence change replaces asparagine, which is neutral and polar, with lysine, which is basic and polar, at codon 248 of the APC protein (p.Asn248Lys). This variant is not present in population databases (gnomAD no frequency). This variant has not been reported in the literature in individuals affected with APC-related conditions. ClinVar contains an entry for this variant (Variation ID: 1359776). Advanced modeling of protein sequence and biophysical properties (such as structural, functional, and spatial information, amino acid conservation, physicochemical variation, residue mobility, and thermodynamic stability) performed at Invitae indicates that this missense variant is not expected to disrupt APC protein function. In summary, the available evidence is currently insufficient to determine the role of this variant in disease. Therefore, it has been classified as a Variant of Uncertain Significance.

NM_000038.6(APC):c.744C>A (p.Asn248Lys)

Gene: APC (APC regulator of Wnt signaling pathway; plus strand). Cytogenetic location: 5q22.2.
Variant type: single nucleotide variant.
Coding change: c.744C>A on transcript NM_000038.6 (MANE Select); coding-DNA position 744, C replaced by A.
Protein change: p.Asn248Lys; replaces asparagine 248 with lysine.
Molecular consequence: missense variant. On other transcripts: 5 prime UTR variant (1).
Genome position (GRCh38, 1-based): chr5:112,801,293, C>A. VCF-style: chr5-112801293-C-A. GRCh37 (hg19) VCF-style: chr5-112136990-C-A.
Other names: c.744C>A, p.Asn248Lys (NM_001127510.3, NM_001354895.2, NM_001354896.2 and 1 more transcripts); c.690C>A, p.Asn230Lys (NM_001127511.3); c.774C>A, p.Asn258Lys (NM_001354897.2, NM_001354902.2); c.669C>A, p.Asn223Lys (NM_001354898.2, NM_001354904.2); c.660C>A, p.Asn220Lys (NM_001354899.2); c.567C>A, p.Asn189Lys (NM_001354900.2, NM_001354901.2, NM_001354905.2); c.-292C>A (NM_001354906.2); short protein forms N223K, N248K, N189K, N220K, N230K, N258K.
Identifiers: ClinVar variation 1359776 (VCV001359776.9), dbSNP rs747634179, ClinGen allele CA16022957.